The following is an entry in ClinVar:

NM_004369.4(COL6A3):c.7648C>T (p.Gln2550Ter)

Gene: COL6A3 (collagen type VI alpha 3 chain; minus strand). Cytogenetic location: 2q37.3.
Variant type: single nucleotide variant.
Coding change: c.7648C>T on transcript NM_004369.4 (MANE Select); coding-DNA position 7648, C replaced by T.
Protein change: p.Gln2550Ter; replaces glutamine 2550 with a stop codon.
Molecular consequence: nonsense.
Genome position (GRCh38, 1-based): chr2:237,344,370, G>A on the plus strand (C>T on the coding strand, the complement: COL6A3 is on the minus strand). VCF-style: chr2-237344370-G-A. GRCh37 (hg19) VCF-style: chr2-238253013-G-A.
Other names: c.5827C>T, p.Gln1943Ter (NM_057166.5); c.7030C>T, p.Gln2344Ter (NM_057167.4); short protein forms Q2550*, Q2344*, Q1943*.
Identifiers: ClinVar variation 1366422 (VCV001366422.6), dbSNP rs2106324666, ClinGen allele CA351201560.

ClinVar aggregate classification (germline): Pathogenic (1 of 4 stars; one submission).

Conditions:
Bethlem myopathy 1A. Also called: Bethlem myopathy 1; Bethlem Muscular Dystrophy; MYOPATHY, BENIGN CONGENITAL, WITH CONTRACTURES. Identifiers: Orphanet 610, MedGen CN029274, MONDO:0024530, OMIM 158810.

Submission:

Labcorp Genetics (formerly Invitae), Labcorp
Classification: Pathogenic for Bethlem myopathy 1A. Last evaluated: 2025-10-02. Review status: criteria provided, single submitter. Criteria: Invitae Variant Classification Sherloc (09022015). Collection method: clinical testing. Allele origin: germline.
Comment: This sequence change creates a premature translational stop signal (p.Gln2550*) in the COL6A3 gene. It is expected to result in an absent or disrupted protein product. Loss-of-function variants in COL6A3 are known to be pathogenic (PMID: 26004199). This variant is not present in population databases (gnomAD no frequency). This variant has not been reported in the literature in individuals affected with COL6A3-related conditions. ClinVar contains an entry for this variant (Variation ID: 1366422). Algorithms developed to predict the effect of sequence changes on RNA splicing suggest that this variant may disrupt the consensus splice site. For these reasons, this variant has been classified as Pathogenic.

Literature cited by the submitters: PubMed 26004199.